The following is an entry in ClinVar:

NM_012452.3(TNFRSF13B):c.823C>T (p.Pro275Ser)

Gene: TNFRSF13B (TNF receptor superfamily member 13B; minus strand). Cytogenetic location: 17p11.2.
Variant type: single nucleotide variant.
Coding change: c.823C>T on transcript NM_012452.3 (MANE Select); coding-DNA position 823, C replaced by T.
Protein change: p.Pro275Ser; replaces proline 275 with serine.
Molecular consequence: missense variant.
Genome position (GRCh38, 1-based): chr17:16,939,606, G>A on the plus strand (C>T on the coding strand, the complement: TNFRSF13B is on the minus strand). VCF-style: chr17-16939606-G-A. GRCh37 (hg19) VCF-style: chr17-16842920-G-A.
Other names: short protein forms P275S.
Identifiers: ClinVar variation 640348 (VCV000640348.4), dbSNP rs540918755, ClinGen allele CA8413844.

ClinVar aggregate classification (germline): Uncertain significance. Review status: criteria provided, multiple submitters, no conflicts (2 of 4 stars). 2 submissions from 2 submitters: Uncertain significance (2). Last evaluated 2021-09-01.

Conditions:
Immunodeficiency, common variable, 2 (CVID2). Also called: ANTIBODY DEFICIENCY DUE TO TACI DEFECT; HYPOGAMMAGLOBULINEMIA DUE TO TACI DEFICIENCY. Identifiers: Orphanet 1572, MedGen C3150354, MONDO:0009413, OMIM 240500.

Allele frequency attached by ClinVar (database versions not stated): 1000 Genomes Project 0.00020; gnomAD 0.00007 and 0.00008; TOPMed 0.00014; 1000 Genomes Project 30x 0.00016; gnomAD exomes below 0.00001; ExAC 0.00001.

Submissions (2):

Labcorp Genetics (formerly Invitae), Labcorp
Classification: Uncertain significance for Immunodeficiency, common variable, 2. Last evaluated: 2021-09-01. Review status: criteria provided, single submitter. Criteria: Invitae Variant Classification Sherloc (09022015). Collection method: clinical testing. Allele origin: germline.
Comment: This sequence change replaces proline with serine at codon 275 of the TNFRSF13B protein (p.Pro275Ser). The proline residue is weakly conserved and there is a moderate physicochemical difference between proline and serine. This variant is present in population databases (rs540918755, ExAC 0.009%). This variant has not been reported in the literature in individuals affected with TNFRSF13B-related conditions. Algorithms developed to predict the effect of missense changes on protein structure and function (SIFT, PolyPhen-2, Align-GVGD) all suggest that this variant is likely to be tolerated. In summary, the available evidence is currently insufficient to determine the role of this variant in disease. Therefore, it has been classified as a Variant of Uncertain Significance.

Breakthrough Genomics
Classification: Uncertain significance. Review status: criteria provided, single submitter. Criteria: ACMG Guidelines, 2015. Collection method: not provided. Allele origin: germline. Inheritance: Autosomal recessive inheritance. Affected: yes.